The following is an entry in ClinVar:

NC_000009.12:g.35658014_35658043dup

Gene: RMRP (RNA component of mitochondrial RNA processing endoribonuclease; minus strand). Cytogenetic location: 9p13.3.
Variant type: Duplication.
Genome position: GRCh38 VCF-style: chr9-35658013-C-CGAACCACGTCCTCAGCTTCACAGAGTAGTA. GRCh37 (hg19) VCF-style: chr9-35658010-C-CGAACCACGTCCTCAGCTTCACAGAGTAGTA.
Identifiers: ClinVar variation 2860195 (VCV002860195.3), dbSNP rs2490602769, ClinGen allele CA2739269234.

ClinVar aggregate classification (germline): Pathogenic (1 of 4 stars; one submission).

Conditions:
Anauxetic dysplasia. Identifiers: Orphanet 93347, MedGen C1846796, MONDO:0011773.

Submission:

Labcorp Genetics (formerly Invitae), Labcorp
Classification: Pathogenic for Anauxetic dysplasia. Last evaluated: 2023-05-09. Review status: criteria provided, single submitter. Criteria: Invitae Variant Classification Sherloc (09022015). Collection method: clinical testing. Allele origin: germline.
Comment: For these reasons, this variant has been classified as Pathogenic. While functional studies for this variant have not been reported, experimental analyses using patient derived cells, as well as in vitro transfection studies, have shown that promoter insertions result in silencing of RMRP transcription and reduced expression of the gene product (PMID: 11207361, 16254002). While this particular variant has not been reported in the literature, it is located in the promoter region between the TATA box and the transcription initiation site, and other insertions and duplications immediately upstream of the coding sequence have been reported in individuals affected with cartilage-hair hypoplasia-anauxetic dysplasia (CHH-AD) spectrum disorders (PMID: 16244706, 11207361, 12107819). While this particular variant has not been reported in the literature, it is located in the promoter region between the TATA box and the transcription initiation site, and other insertions and duplications immediately upstream of the coding sequence have been reported in individuals affected with cartilage-hair hypoplasia-anauxetic dysplasia (CHH-AD) spectrum disorders (PMID: 16244706, 11207361, 12107819). This variant is not present in population databases (gnomAD no frequency). This variant occurs in the RMRP gene, which encodes an RNA molecule that does not result in a protein product.

Literature cited by the submitters: PubMed 11207361; PubMed 16254002; PubMed 16244706; PubMed 12107819.